The following is an entry in ClinVar:

NM_001244008.2(KIF1A):c.3197G>A (p.Cys1066Tyr)

Gene: KIF1A (kinesin family member 1A; minus strand). Cytogenetic location: 2q37.3.
Variant type: single nucleotide variant.
Coding change: c.3197G>A on transcript NM_001244008.2 (MANE Select); coding-DNA position 3197, G replaced by A.
Protein change: p.Cys1066Tyr; replaces cysteine 1066 with tyrosine.
Molecular consequence: missense variant.
Genome position (GRCh38, 1-based): chr2:240,746,044, C>T on the plus strand (G>A on the coding strand, the complement: KIF1A is on the minus strand). VCF-style: chr2-240746044-C-T. GRCh37 (hg19) VCF-style: chr2-241685461-C-T.
Other names: c.2921G>A, p.Cys974Tyr (NM_001320705.2, NM_001330289.2, NM_001379638.1); c.2996G>A, p.Cys999Tyr (NM_001330290.2, NM_001379634.1, NM_001379635.1 and 1 more transcripts); c.3272G>A, p.Cys1091Tyr (NM_001379631.1); c.3146G>A, p.Cys1049Tyr (NM_001379632.1); c.3170G>A, p.Cys1057Tyr (NM_001379633.1, NM_001379642.1, NM_001379645.1); c.2894G>A, p.Cys965Tyr (NM_001379636.1, NM_001379639.1, NM_001379640.1 and 6 more transcripts); c.2969G>A, p.Cys990Tyr (NM_001379637.1, NM_001379648.1); short protein forms C1049Y, C1057Y, C1066Y, C1091Y, C965Y, C974Y, C990Y, C999Y.
Identifiers: ClinVar variation 4074454 (VCV004074454.1).

ClinVar aggregate classification (germline): Uncertain significance (1 of 4 stars; one submission).

Submission:

GeneDx
Classification: Uncertain significance. Last evaluated: 2025-02-05. Review status: criteria provided, single submitter. Criteria: GeneDx Variant Classification Process June 2021. Collection method: clinical testing. Allele origin: germline. Affected: yes.
Comment: Not observed at significant frequency in large population cohorts (gnomAD); In silico analysis supports that this missense variant has a deleterious effect on protein structure/function; Has not been previously published as pathogenic or benign to our knowledge